The following is an entry in ClinVar:

ClinVar aggregate classification (germline): Likely benign (1 of 4 stars; one submission).

Submission:

CeGaT Center for Human Genetics Tuebingen
Classification: Likely benign. Last evaluated: 2024-10-01. Review status: criteria provided, single submitter. Criteria: CeGaT Center For Human Genetics Tuebingen Variant Classification Criteria Version 2. Collection method: clinical testing. Allele origin: germline. Affected: yes. Observed: 1 variant allele.
Comment: ARFGEF2: PM2:Supporting, BP4, BP7

NM_006420.3(ARFGEF2):c.2244G>A (p.Lys748=)

Gene: ARFGEF2 (ARF guanine nucleotide exchange factor 2; plus strand). Cytogenetic location: 20q13.13.
Variant type: single nucleotide variant.
Coding change: c.2244G>A on transcript NM_006420.3 (MANE Select); coding-DNA position 2244, G replaced by A.
Protein change: p.Lys748=; no amino-acid change (lysine 748 retained).
Molecular consequence: synonymous variant.
Genome position (GRCh38, 1-based): chr20:48,985,581, G>A. VCF-style: chr20-48985581-G-A. GRCh37 (hg19) VCF-style: chr20-47602118-G-A.
Other names: c.2241G>A, p.Lys747= (NM_001410846.1).
Identifiers: ClinVar variation 3389467 (VCV003389467.14).
Genomic context (GRCh38, chr20:48,985,581, plus strand): 5'-ATTCCTAGAAGGTTTCCGCCTACCTGGAGAAGCCCAAAAGATTGACCGATTAATGGAGAA[G>A]TTTGCCGCAAGATACATAGAATGCAACCAAGGGTGAGCGCCGATTTTGAGTCCCTTCCAG-3'
Protein context (NP_006411.2, residues 738-758): EAQKIDRLME[Lys748=]FAARYIECNQ